The following is an entry in ClinVar:

ClinVar aggregate classification (germline): Uncertain significance (1 of 4 stars; one submission).

Conditions:
Inborn genetic diseases. Identifiers: MedGen C0950123, MeSH D030342.

gnomAD v4.1: 1 of 1,614,194 alleles (0.000062%); highest among the groups gnomAD compares: Admixed American, 0.0017%; no homozygotes.

Submission:

Ambry Genetics
Classification: Uncertain significance for Inborn genetic diseases. Last evaluated: 2026-06-16. Review status: criteria provided, single submitter. Criteria: Ambry Variant Classification Scheme 2023. Collection method: clinical testing. Allele origin: germline.
Comment: The p.K1158N variant (also known as c.3474G>C), located in coding exon 35 of the FANCA gene, results from a G to C substitution at nucleotide position 3474. The lysine at codon 1158 is replaced by asparagine, an amino acid with similar properties. This amino acid position is conserved. In addition, this alteration is predicted to be tolerated by in silico analysis. Based on the available evidence, the clinical significance of this variant remains unclear.

NM_000135.4(FANCA):c.3474G>C (p.Lys1158Asn)

Gene: FANCA (FA complementation group A; minus strand). Cytogenetic location: 16q24.3.
Variant type: single nucleotide variant.
Coding change: c.3474G>C on transcript NM_000135.4 (MANE Select); coding-DNA position 3474, G replaced by C.
Protein change: p.Lys1158Asn; replaces lysine 1158 with asparagine.
Molecular consequence: missense variant.
Genome position (GRCh38, 1-based): chr16:89,746,623, C>G on the plus strand (G>C on the coding strand, the complement: FANCA is on the minus strand). VCF-style: chr16-89746623-C-G. GRCh37 (hg19) VCF-style: chr16-89813031-C-G.
Other names: c.3474G>C, p.Lys1158Asn (NM_001286167.3); short protein forms K1158N.
Identifiers: ClinVar variation 5036310 (VCV005036310.1).